The following is an entry in ClinVar:

NM_006015.6(ARID1A):c.1251C>G (p.Tyr417Ter)

Gene: ARID1A (AT-rich interaction domain 1A; plus strand). Cytogenetic location: 1p36.11.
Variant type: single nucleotide variant.
Coding change: c.1251C>G on transcript NM_006015.6 (MANE Select); coding-DNA position 1251, C replaced by G.
Protein change: p.Tyr417Ter; replaces tyrosine 417 with a stop codon.
Molecular consequence: nonsense.
Genome position (GRCh38, 1-based): chr1:26,729,764, C>G. VCF-style: chr1-26729764-C-G. GRCh37 (hg19) VCF-style: chr1-27056255-C-G.
Other names: c.1251C>G, p.Tyr417Ter (NM_139135.4); short protein forms Y417*.
Identifiers: ClinVar variation 1760779 (VCV001760779.2), dbSNP rs755066600, ClinGen allele CA339267642.
Genomic context (GRCh38, chr1:26,729,764, plus strand): 5'-GACTAACCCATACTCGCAGCAACAGGGACCTCCGTCAGGACCGCAGCAAGGACATGGGTA[C>G]CCAGGGCAGCCATACGGGTCCCAGACCCCGCAGCGGTACCCGATGACCATGCAGGGCCGG-3'

ClinVar aggregate classification (germline): Pathogenic (1 of 4 stars; one submission).

Conditions:
Inborn genetic diseases. Identifiers: MedGen C0950123, MeSH D030342.

Submission:

Ambry Genetics
Classification: Pathogenic for Inborn genetic diseases. Last evaluated: 2019-12-30. Review status: criteria provided, single submitter. Criteria: Ambry Variant Classification Scheme 2023. Collection method: clinical testing. Allele origin: germline.
Comment: The p.Y417* variant (also known as c.1251C>G), located in coding exon 2 of the ARID1A gene, results from a C to G substitution at nucleotide position 1251. This changes the amino acid from a tyrosine to a stop codon within coding exon 2. This alteration is expected to result in loss of function by premature protein truncation or nonsense-mediated mRNA decay. As such, this alteration is interpreted as a disease-causing mutation.